The following is an entry in ClinVar:

NM_001267550.2(TTN):c.48143T>C (p.Ile16048Thr)

Genes: TTN (titin; minus strand), TTN-AS1 (TTN antisense RNA 1; plus strand). Cytogenetic location: 2q31.2.
Variant type: single nucleotide variant.
Coding change: c.48143T>C on transcript NM_001267550.2 (MANE Select); coding-DNA position 48143, T replaced by C.
Protein change: p.Ile16048Thr; replaces isoleucine 16048 with threonine.
Molecular consequence: missense variant.
Genome position (GRCh38, 1-based): chr2:178,616,746, A>G on the plus strand (T>C on the coding strand, the complement: TTN is on the minus strand). VCF-style: chr2-178616746-A-G. GRCh37 (hg19) VCF-style: chr2-179481473-A-G.
Other names: c.48143T>C (LRG_391t1); c.43220T>C, p.Ile14407Thr (NM_001256850.1); c.20948T>C, p.Ile6983Thr (NM_003319.4); c.40439T>C, p.Ile13480Thr (NM_133378.4); c.21323T>C, p.Ile7108Thr (NM_133432.3); c.21524T>C, p.Ile7175Thr (NM_133437.4); short protein forms I16048T, I14407T, I7108T, I13480T, I6983T, I7175T.
Identifiers: ClinVar variation 413130 (VCV000413130.23), dbSNP rs749678590, ClinGen allele CA1994912.

ClinVar aggregate classification (germline): Conflicting classifications of pathogenicity. Review status: criteria provided, conflicting classifications (1 of 4 stars). 6 submissions from 6 submitters: Uncertain significance (2); Likely benign (4). Last evaluated 2025-12-14.

Conditions:
Autosomal recessive limb-girdle muscular dystrophy type 2J (LGMDR10). Also called: Limb-girdle muscular dystrophy, type 2J; MUSCULAR DYSTROPHY, LIMB-GIRDLE, AUTOSOMAL RECESSIVE 10. Identifiers: Orphanet 140922, MedGen C1837342, MONDO:0012127, OMIM 608807.
Dilated cardiomyopathy 1G (CMD1G). Identifiers: Orphanet 154, MedGen C1858763, MONDO:0011400, OMIM 604145.
Cardiovascular phenotype. Identifiers: MedGen CN230736.

Allele frequency attached by ClinVar (database versions not stated): gnomAD 0.00001; gnomAD exomes 0.00004 and 0.00020; TOPMed 0.00008; ExAC 0.00013.
gnomAD v4.1: 63 of 1,612,506 alleles (0.0039%); highest among the groups gnomAD compares: Admixed American, 0.093%; no homozygotes.

Submissions (6):

Labcorp Genetics (formerly Invitae), Labcorp
Classification: Likely benign for Dilated cardiomyopathy 1G; Autosomal recessive limb-girdle muscular dystrophy type 2J. Last evaluated: 2025-12-14. Review status: criteria provided, single submitter. Criteria: Invitae Variant Classification Sherloc (09022015). Collection method: clinical testing. Allele origin: germline.

Revvity Omics, Revvity
Classification: Uncertain significance. Last evaluated: 2025-03-24. Review status: criteria provided, single submitter. Criteria: ACMG Guidelines, 2015. Collection method: clinical testing. Allele origin: germline.

Mayo Clinic Laboratories, Mayo Clinic
Classification: Uncertain significance. Last evaluated: 2020-11-12. Review status: criteria provided, single submitter. Criteria: ACMG Guidelines, 2015. Collection method: clinical testing. Allele origin: germline. Observed: 1 variant allele.

Ambry Genetics
Classification: Likely benign for Cardiovascular phenotype. Last evaluated: 2019-05-13. Review status: criteria provided, single submitter. Criteria: Ambry Variant Classification Scheme 2023. Collection method: clinical testing. Allele origin: germline.

Athena Diagnostics
Classification: Likely benign. Last evaluated: 2018-05-25. Review status: criteria provided, single submitter. Criteria: Athena Diagnostics Criteria. Collection method: clinical testing. Allele origin: germline.

GeneDx
Classification: Likely benign. Last evaluated: 2017-08-04. Review status: criteria provided, single submitter. Criteria: GeneDx Variant Classification (06012015). Collection method: clinical testing. Allele origin: germline. Affected: yes.
Comment: This variant is considered likely benign or benign based on one or more of the following criteria: it is a conservative change, it occurs at a poorly conserved position in the protein, it is predicted to be benign by multiple in silico algorithms, and/or has population frequency not consistent with disease.